The following is an entry in ClinVar:

GRCh37/hg19 15q11.2-13.1(chr15:23286571-28823722)x1

Genes: ATP10A (ATPase phospholipid transporting 10A (putative); minus strand), GABRA5 (gamma-aminobutyric acid type A receptor subunit alpha5; plus strand), GABRB3 (gamma-aminobutyric acid type A receptor subunit beta3; minus strand), GABRG3 (gamma-aminobutyric acid type A receptor subunit gamma3; plus strand), GOLGA6L2 (golgin A6 family like 2; minus strand) and 19 more. Cytogenetic location: 15q11.2-13.1.
Variant type: copy number loss.
Change: copy number 1 (one copy instead of two) of chr15:23,286,571-28,823,722 (5.54 Mb, GRCh37 coordinates, 1-based), cytogenetic band 15q11.2-13.1.
Identifiers: ClinVar variation 564152 (VCV000564152.4).

ClinVar aggregate classification (germline): Pathogenic (1 of 4 stars; one submission).

Submission:

Quest Diagnostics Nichols Institute San Juan Capistrano
Classification: Pathogenic. Last evaluated: 2024-03-05. Review status: criteria provided, single submitter. Criteria: ACMG/ClinGen CNV Guidelines, 2019. Collection method: clinical testing. Allele origin: unknown.
Comment: This deletion encompasses the recurrent 15q11.2q13 type 2 deletion (BP2-BP3; ISCA-37478; Dagli 2021, Driscoll 2023) of the Prader-Willi/Angelman Syndrome region and involves imprinted genes SNRPN (OMIM 182279) and UBE3A (OMIM 601623; CCID:008077). Thus, this copy number variant (CNV) is classified as pathogenic. References: Dagli et al., GeneReviews, [2021 Apr 22]. PMID: 20301323; Driscoll et al., GeneReviews, [2023 Nov 2]. PMID: 20301505